The following is an entry in ClinVar:

NM_018006.5(TRMU):c.355_355+1delinsTT

Gene: TRMU (tRNA mitochondrial 2-thiouridylase; plus strand). Cytogenetic location: 22q13.31.
Variant type: Indel.
Coding change: c.355_355+1delinsTT on transcript NM_018006.5 (MANE Select); coding-DNA position 355 through the canonical splice donor site of the intron after coding-DNA position 355, GG replaced by TT.
Molecular consequence: splice donor variant. On other transcripts: intron variant (3).
Genome position (GRCh38, 1-based): chr22:46,343,368-46,343,369, GG replaced by TT. VCF-style: chr22-46343368-GG-TT. GRCh37 (hg19) VCF-style: chr22-46739265-GG-TT.
Other names: c.355_355+1delinsTT (NM_001282785.2); c.14-3054_14-3053delinsTT (NM_001282782.2); c.-6-3054_-6-3053delinsTT (NM_001282783.2, NM_001282784.2).
Identifiers: ClinVar variation 2129126 (VCV002129126.4), dbSNP rs2518150435, ClinGen allele CA2580099901.

ClinVar aggregate classification (germline): Likely pathogenic (1 of 4 stars; one submission).

Submission:

Labcorp Genetics (formerly Invitae), Labcorp
Classification: Likely pathogenic. Last evaluated: 2022-04-22. Review status: criteria provided, single submitter. Criteria: Invitae Variant Classification Sherloc (09022015). Collection method: clinical testing. Allele origin: germline.
Comment: In summary, the currently available evidence indicates that the variant is pathogenic, but additional data are needed to prove that conclusively. Therefore, this variant has been classified as Likely Pathogenic. This variant has not been reported in the literature in individuals affected with TRMU-related conditions. This variant is not present in population databases (gnomAD no frequency). This variant results in the deletion of part of exon 3 (c.355_355+1delinsTT) of the TRMU gene. It is expected to disrupt RNA splicing. Variants that disrupt the donor or acceptor splice site typically lead to a loss of protein function (PMID: 16199547), and loss-of-function variants in TRMU are known to be pathogenic (PMID: 19732863, 23625533).

Literature cited by the submitters: PubMed 16199547; PubMed 19732863; PubMed 23625533.